The following is an entry in ClinVar:

NM_182916.3(TRNT1):c.854T>C (p.Val285Ala)

Gene: TRNT1 (tRNA nucleotidyl transferase 1; plus strand). Cytogenetic location: 3p26.2.
Variant type: single nucleotide variant.
Coding change: c.854T>C on transcript NM_182916.3 (MANE Select); coding-DNA position 854, T replaced by C.
Protein change: p.Val285Ala; replaces valine 285 with alanine.
Molecular consequence: missense variant. On other transcripts: non-coding transcript variant (8).
Genome position (GRCh38, 1-based): chr3:3,147,501, T>C. VCF-style: chr3-3147501-T-C. GRCh37 (hg19) VCF-style: chr3-3189185-T-C.
Other names: c.794T>C, p.Val265Ala (NM_001302946.2); c.854T>C, p.Val285Ala (NM_001367321.1, NM_001367322.1, NM_001367323.1); short protein forms V265A, V285A.
Identifiers: ClinVar variation 2086035 (VCV002086035.4), dbSNP rs1706124209, ClinGen allele CA351447455.

ClinVar aggregate classification (germline): Uncertain significance (1 of 4 stars; one submission).

Conditions:
Congenital sideroblastic anemia-B-cell immunodeficiency-periodic fever-developmental delay syndrome. Also called: Sideroblastic anemia with B-cell immunodeficiency, periodic fevers, and developmental delay. Identifiers: Orphanet 369861, MedGen C4015172, MONDO:0014487, OMIM 616084.

gnomAD v4.1: 1 of 1,613,852 alleles (0.000062%); highest among the groups gnomAD compares: Non-Finnish European, 0.000085%; no homozygotes.

Submission:

Labcorp Genetics (formerly Invitae), Labcorp
Classification: Uncertain significance for Congenital sideroblastic anemia-B-cell immunodeficiency-periodic fever-developmental delay syndrome. Last evaluated: 2022-06-25. Review status: criteria provided, single submitter. Criteria: Invitae Variant Classification Sherloc (09022015). Collection method: clinical testing. Allele origin: germline.
Comment: This variant is not present in population databases (gnomAD no frequency). This sequence change replaces valine, which is neutral and non-polar, with alanine, which is neutral and non-polar, at codon 285 of the TRNT1 protein (p.Val285Ala). This variant has not been reported in the literature in individuals affected with TRNT1-related conditions. In summary, the available evidence is currently insufficient to determine the role of this variant in disease. Therefore, it has been classified as a Variant of Uncertain Significance. Algorithms developed to predict the effect of missense changes on protein structure and function output the following: SIFT: "Tolerated"; PolyPhen-2: "Benign"; Align-GVGD: "Class C0". The alanine amino acid residue is found in multiple mammalian species, which suggests that this missense change does not adversely affect protein function.